The following is an entry in ClinVar:

NM_001875.5(CPS1):c.3269_3282del (p.Ser1090fs)

Gene: CPS1 (carbamoyl-phosphate synthase 1; plus strand). Cytogenetic location: 2q34.
Variant type: Deletion.
Coding change: c.3269_3282del on transcript NM_001875.5 (MANE Select); coding-DNA positions 3269 to 3282, 14 bases deleted (CCATCTTCTCAGCT).
Protein change: p.Ser1090fs; shifts the reading frame from serine 1090.
Molecular consequence: frameshift variant. On other transcripts: non-coding transcript variant (2).
Genome position (GRCh38, 1-based): chr2:210,647,990-210,648,003, CCATCTTCTCAGCT deleted; deleting any 14 consecutive bases within chr2:210,647,987-210,648,003 gives the same sequence; the c. name uses the placement nearest the transcript's 3' end. VCF-style (leftmost placement, unchanged base first): chr2-210647986-CGCTCCATCTTCTCA-C. GRCh37 (hg19) VCF-style: chr2-211512710-CGCTCCATCTTCTCA-C.
Other names: c.3269_3282del, p.Ser1090fs (NM_001122633.3, NM_001369257.1); c.3302_3315del, p.Ser1101fs (NM_001369256.1); short protein forms S1101fs, S1090fs.
Identifiers: ClinVar variation 4712278 (VCV004712278.1).

ClinVar aggregate classification (germline): Pathogenic (1 of 4 stars; one submission).

Conditions:
Congenital hyperammonemia, type I. Also called: CPS I DEFICIENCY; Carbamoyl phosphate synthetase I deficiency disease; Carbamoyl-phosphate synthase I deficiency; Carbamoyl phosphate synthetase 1 deficiency; Hyperammonemia due to carbamoyl phosphate synthetase 1 deficiency; CPS 1 deficiency. Identifiers: Orphanet 147, MedGen C4082171, MONDO:0009376, OMIM 237300.

Submission:

Labcorp Genetics (formerly Invitae), Labcorp
Classification: Pathogenic for Congenital hyperammonemia, type I. Last evaluated: 2025-02-04. Review status: criteria provided, single submitter. Criteria: Invitae Variant Classification Sherloc (09022015). Collection method: clinical testing. Allele origin: germline.
Comment: This sequence change creates a premature translational stop signal (p.Ser1090Cysfs*4) in the CPS1 gene. It is expected to result in an absent or disrupted protein product. Loss-of-function variants in CPS1 are known to be pathogenic (PMID: 21120950). This variant is not present in population databases (gnomAD no frequency). This variant has not been reported in the literature in individuals affected with CPS1-related conditions. For these reasons, this variant has been classified as Pathogenic.

Literature cited by the submitters: PubMed 21120950.